The following is an entry in ClinVar:

ClinVar aggregate classification (germline): Likely pathogenic. Review status: criteria provided, multiple submitters, no conflicts (2 of 4 stars). 2 submissions from 2 submitters: Likely pathogenic (2). Last evaluated 2026-01-15.

Conditions:
Leigh syndrome (NULS). Also called: Leigh Disease; Subacute necrotizing encephalopathy; Necrotizing encephalopathy infantile subacute of Leigh; Leigh Syndrome (mtDNA deletion); LEIGH SYNDROME, NUCLEAR; Leigh's necrotizing encephalopathy. Identifiers: Orphanet 506, MedGen C2931891, MONDO:0009723, OMIM 256000.

Submissions (2):

Women's Health and Genetics/Laboratory Corporation of America, LabCorp
Classification: Likely pathogenic for Leigh syndrome. Last evaluated: 2026-01-15. Review status: criteria provided, single submitter. Criteria: LabCorp Variant Classification Summary - May 2015. Collection method: clinical testing. Allele origin: germline.
Comment: Variant summary: SURF1 c.752-3C>G alters a nucleotide located close to a canonical splice site and therefore could affect mRNA splicing, leading to a significantly altered protein sequence. Several computational tools predict a significant impact on normal splicing: Three predict the variant abolishes a 3' acceptor site. One predict the variant weakens a 3' acceptor site. Three predict the variant creates a 3' acceptor site. At least one publication reports experimental evidence that this variant affects mRNA splicing (Poyau_2000). The variant was absent in 214186 control chromosomes (gnomAD). c.752-3C>G has been observed in individuals affected with clinical features of Leigh Syndrome. These data indicate that the variant may be associated with disease. The following publications have been ascertained in the context of this evaluation (PMID: 36675121, 18804471, 10746561). ClinVar contains an entry for this variant (Variation ID: 2735362). Based on the evidence outlined above, the variant was classified as likely pathogenic.

Labcorp Genetics (formerly Invitae), Labcorp
Classification: Likely pathogenic for Leigh syndrome. Last evaluated: 2023-04-17. Review status: criteria provided, single submitter. Criteria: Invitae Variant Classification Sherloc (09022015). Collection method: clinical testing. Allele origin: germline.
Comment: This sequence change falls in intron 7 of the SURF1 gene. It does not directly change the encoded amino acid sequence of the SURF1 protein. It affects a nucleotide within the consensus splice site. This variant is not present in population databases (gnomAD no frequency). In summary, the currently available evidence indicates that the variant is pathogenic, but additional data are needed to prove that conclusively. Therefore, this variant has been classified as Likely Pathogenic. Variants that disrupt the consensus splice site are a relatively common cause of aberrant splicing (PMID: 17576681, 9536098). Studies have shown that this variant is associated with altered splicing resulting in multiple RNA products (PMID: 10746561). This variant is also known as C766(-3)G. This variant has been observed in individuals with mitochondrial complex IV deficiency (PMID: 10746561, 18804471).

Literature cited by the submitters: PubMed 18804471 (cited by Women's Health and Genetics/Laboratory Corporation of America, LabCorp and Labcorp Genetics (formerly Invitae), Labcorp); PubMed 10746561 (cited by Women's Health and Genetics/Laboratory Corporation of America, LabCorp and Labcorp Genetics (formerly Invitae), Labcorp); PubMed 36675121 (cited by Women's Health and Genetics/Laboratory Corporation of America, LabCorp); PubMed 17576681 (cited by Labcorp Genetics (formerly Invitae), Labcorp); PubMed 9536098 (cited by Labcorp Genetics (formerly Invitae), Labcorp).

NM_003172.4(SURF1):c.752-3C>G

Gene: SURF1 (SURF1 cytochrome c oxidase assembly factor; minus strand). Cytogenetic location: 9q34.2.
Variant type: single nucleotide variant.
Coding change: c.752-3C>G on transcript NM_003172.4 (MANE Select); 3 bases into the intron before coding-DNA position 752, C replaced by G.
Molecular consequence: intron variant.
Genome position (GRCh38, 1-based): chr9:133,352,145, G>C on the plus strand (C>G on the coding strand, the complement: SURF1 is on the minus strand). VCF-style: chr9-133352145-G-C. GRCh37 (hg19) VCF-style: chr9-136219000-G-C.
Other names: c.425-3C>G (NM_001280787.1).
Identifiers: ClinVar variation 2735362 (VCV002735362.4), dbSNP rs2490614044, ClinGen allele CA2695211584.